The following is an entry in ClinVar:

ClinVar aggregate classification (germline): Likely benign (0 of 4 stars; one submission).

Conditions:
CEP290-related disorder. Also called: CEP290-related condition; CEP290-related disorders. Identifiers: MedGen CN239314.

Submission:

PreventionGenetics, part of Exact Sciences
Classification: Likely benign for CEP290-related condition. Last evaluated: 2024-03-05. Review status: no assertion criteria provided. Collection method: clinical testing. Allele origin: germline.
Comment: This variant is classified as likely benign based on ACMG/AMP sequence variant interpretation guidelines (Richards et al. 2015 PMID: 25741868, with internal and published modifications).

NM_025114.4(CEP290):c.4194+6A>G

Gene: CEP290 (centrosomal protein 290; minus strand). Cytogenetic location: 12q21.32.
Variant type: single nucleotide variant.
Coding change: c.4194+6A>G on transcript NM_025114.4 (MANE Select); 6 bases into the intron after coding-DNA position 4194, A replaced by G.
Molecular consequence: intron variant.
Genome position (GRCh38, 1-based): chr12:88,087,774, T>C on the plus strand (A>G on the coding strand, the complement: CEP290 is on the minus strand). VCF-style: chr12-88087774-T-C. GRCh37 (hg19) VCF-style: chr12-88481551-T-C.
Identifiers: ClinVar variation 3349811 (VCV003349811.1).